The following is an entry in ClinVar:

NM_001165967.2(HES7):c.138+6T>G

Gene: HES7 (hes family bHLH transcription factor 7; minus strand). Cytogenetic location: 17p13.1.
Variant type: single nucleotide variant.
Coding change: c.138+6T>G on transcript NM_001165967.2 (MANE Select); 6 bases into the intron after coding-DNA position 138, T replaced by G.
Molecular consequence: intron variant.
Genome position (GRCh38, 1-based): chr17:8,123,025, A>C on the plus strand (T>G on the coding strand, the complement: HES7 is on the minus strand). VCF-style: chr17-8123025-A-C. GRCh37 (hg19) VCF-style: chr17-8026343-A-C.
Other names: c.138+6T>G (NM_032580.4).
Identifiers: ClinVar variation 1925903 (VCV001925903.2), dbSNP rs2507863108, ClinGen allele CA2580094905.

ClinVar aggregate classification (germline): Uncertain significance (1 of 4 stars; one submission).

Submission:

Labcorp Genetics (formerly Invitae), Labcorp
Classification: Uncertain significance. Last evaluated: 2022-10-24. Review status: criteria provided, single submitter. Criteria: Invitae Variant Classification Sherloc (09022015). Collection method: clinical testing. Allele origin: germline.
Comment: This sequence change falls in intron 2 of the HES7 gene. It does not directly change the encoded amino acid sequence of the HES7 protein. It affects a nucleotide within the consensus splice site. This variant is not present in population databases (gnomAD no frequency). This variant has not been reported in the literature in individuals affected with HES7-related conditions. Variants that disrupt the consensus splice site are a relatively common cause of aberrant splicing (PMID: 17576681, 9536098). Algorithms developed to predict the effect of sequence changes on RNA splicing suggest that this variant is not likely to affect RNA splicing. In summary, the available evidence is currently insufficient to determine the role of this variant in disease. Therefore, it has been classified as a Variant of Uncertain Significance.

Literature cited by the submitters: PubMed 17576681; PubMed 9536098.